The following is an entry in ClinVar:

NM_001001331.4(ATP2B2):c.1748A>G (p.Asp583Gly)

Gene: ATP2B2 (ATPase plasma membrane Ca2+ transporting 2; minus strand). Cytogenetic location: 3p25.3.
Variant type: single nucleotide variant.
Coding change: c.1748A>G on transcript NM_001001331.4 (MANE Select); coding-DNA position 1748, A replaced by G.
Protein change: p.Asp583Gly; replaces aspartic acid 583 with glycine.
Molecular consequence: missense variant.
Genome position (GRCh38, 1-based): chr3:10,360,035, T>C on the plus strand (A>G on the coding strand, the complement: ATP2B2 is on the minus strand). VCF-style: chr3-10360035-T-C. GRCh37 (hg19) VCF-style: chr3-10401719-T-C.
Other names: c.1613A>G, p.Asp538Gly (NM_001330611.3, NM_001353564.1, NM_001363862.1 and 1 more transcripts); short protein forms D538G, D583G.
Identifiers: ClinVar variation 2430958 (VCV002430958.1), dbSNP rs2060852323, ClinGen allele CA351781487.

ClinVar aggregate classification (germline): Uncertain significance (1 of 4 stars; one submission).

Allele frequency attached by ClinVar (database versions not stated): TOPMed below 0.00001.

Submission:

GeneDx
Classification: Uncertain significance. Last evaluated: 2022-08-17. Review status: criteria provided, single submitter. Criteria: GeneDx Variant Classification Process June 2021. Collection method: clinical testing. Allele origin: germline. Affected: yes.
Comment: Not observed at significant frequency in large population cohorts (gnomAD); In silico analysis supports that this missense variant has a deleterious effect on protein structure/function; Has not been previously published as pathogenic or benign to our knowledge